The following is an entry in ClinVar:

ClinVar aggregate classification (germline): Uncertain significance. Review status: criteria provided, multiple submitters, no conflicts (2 of 4 stars). 4 submissions from 4 submitters: Uncertain significance (4). Last evaluated 2026-01-01.

Conditions:
TTN-related disorder. Also called: TTN-related condition; TTN-related disease; TTN-related disorders.
Cardiomyopathy (CMYO). Also called: Cardiomyopathies. Identifiers: Orphanet 167848, MedGen C0878544, MONDO:0004994, HP:0001638. Inheritance: Various modes of inheritance.

Allele frequency attached by ClinVar (database versions not stated): gnomAD 0.00001; ESP Exome Variant Server 0.00008.
gnomAD v4.1: 31 of 1,613,152 alleles (0.0019%); highest among the groups gnomAD compares: Non-Finnish European, 0.0021%; no homozygotes.

Submissions (4):

PreventionGenetics, part of Exact Sciences
Classification: Uncertain significance for TTN-related condition. Last evaluated: 2026-01-01. Review status: criteria provided, single submitter. Criteria: ACMG Guidelines, 2015. Collection method: clinical testing. Allele origin: germline.
Comment: The TTN c.65062G>C variant is predicted to result in the amino acid substitution p.Gly21688Arg. To our knowledge, this variant has not been reported in the literature. This variant is reported in 0.0036% of alleles in individuals of European (Non-Finnish) descent in gnomAD. At this time, the clinical significance of this variant is uncertain due to the absence of conclusive functional and genetic evidence.

Women's Health and Genetics/Laboratory Corporation of America, LabCorp
Classification: Uncertain significance. Last evaluated: 2025-11-20. Review status: criteria provided, single submitter. Criteria: LabCorp Variant Classification Summary - May 2015. Collection method: clinical testing. Allele origin: germline.
Comment: Variant summary: TTN NM_133378 c.57358G>C (p.Gly19120Arg), also known as NM_001267550 c.65062G>C p.Gly21688Arg results in a non-conservative amino acid change in the A-band region of the encoded protein sequence. Algorithms developed to predict the effect of missense changes on protein structure and function all suggest that this variant is likely to be disruptive. The variant allele was found at a frequency of 1.6e-05 in 248316 control chromosomes. The available data on variant occurrences in the general population are insufficient to allow any conclusion about variant significance. To our knowledge, no occurrence of c.57358G>C in individuals affected with TTN-related conditions and no experimental evidence demonstrating its impact on protein function have been reported. ClinVar contains an entry for this variant (Variation ID: 1254129). Based on the evidence outlined above, the variant was classified as uncertain significance.

GeneDx
Classification: Uncertain significance. Last evaluated: 2021-06-09. Review status: criteria provided, single submitter. Criteria: GeneDx Variant Classification Process June 2021. Collection method: clinical testing. Allele origin: germline. Affected: yes.
Comment: This variant is associated with the following publications: (PMID: 27535533)

CHEO Genetics Diagnostic Laboratory, Children's Hospital of Eastern Ontario
Classification: Uncertain significance for Cardiomyopathy. Last evaluated: 2020-03-03. Review status: criteria provided, single submitter. Criteria: ACMG Guidelines, 2015. Collection method: clinical testing. Allele origin: germline.

NM_001267550.2(TTN):c.65062G>C (p.Gly21688Arg)

Genes: TTN (titin; minus strand), TTN-AS1 (TTN antisense RNA 1; plus strand). Cytogenetic location: 2q31.2.
Variant type: single nucleotide variant.
Coding change: c.65062G>C on transcript NM_001267550.2 (MANE Select); coding-DNA position 65062, G replaced by C.
Protein change: p.Gly21688Arg; replaces glycine 21688 with arginine.
Molecular consequence: missense variant.
Genome position (GRCh38, 1-based): chr2:178,584,489, C>G on the plus strand (G>C on the coding strand, the complement: TTN is on the minus strand). VCF-style: chr2-178584489-C-G. GRCh37 (hg19) VCF-style: chr2-179449216-C-G.
Other names: c.60139G>C, p.Gly20047Arg (NM_001256850.1); c.37867G>C, p.Gly12623Arg (NM_003319.4); c.57358G>C, p.Gly19120Arg (NM_133378.4); c.38242G>C, p.Gly12748Arg (NM_133432.3); c.38443G>C, p.Gly12815Arg (NM_133437.4); short protein forms G12623R, G12748R, G12815R, G19120R, G20047R, G21688R.
Identifiers: ClinVar variation 1254129 (VCV001254129.6), dbSNP rs372661193, ClinGen allele CA1991786.
Genomic context (GRCh38, chr2:178,584,489, plus strand): 5'-TCACCCACAGCAAACTGTTTCTTTCCTTGCGTTCAATCAGATAACCAATAATGGGGCTCC[C>G]TCCATCACTATCTGGTCTGTCCCAAGCAACAAAAATACAGTCCTTGTTGACTTTGGTGAC-3'
Protein context (NP_001254479.2, residues 21678-21698): VAWDRPDSDG[Gly21688Arg]SPIIGYLIER